The following is an entry in ClinVar:

ClinVar aggregate classification (germline): Conflicting classifications of pathogenicity. Review status: criteria provided, conflicting classifications (1 of 4 stars). 3 submissions from 3 submitters: Uncertain significance (2); Likely benign (1). Last evaluated 2026-06-29.

Conditions:
Prieto syndrome. Also called: MENTAL RETARDATION, X-LINKED, SYNDROMIC 2. Identifiers: Orphanet 2958, MedGen C1839730, MONDO:0010667, OMIM 309610.

gnomAD v4.1: 25 of 1,207,637 alleles (0.0021%); highest among the groups gnomAD compares: African/African-American, 0.0088%; no homozygotes.

Submissions (3):

Laboratory of Medical Genetics, University of Torino
Classification: Uncertain significance for Prieto syndrome. Last evaluated: 2026-06-29. Review status: criteria provided, single submitter. Criteria: ACMG Guidelines, 2015. Collection method: clinical testing. Allele origin: maternal. Affected: yes.

CeGaT Center for Human Genetics Tuebingen
Classification: Likely benign. Last evaluated: 2026-04-01. Review status: criteria provided, single submitter. Criteria: CeGaT Center For Human Genetics Tuebingen Variant Classification Criteria Version 2. Collection method: clinical testing. Allele origin: germline. Affected: yes. Observed: 1 variant allele.
Comment: WNK3: BS2

Ambry Genetics
Classification: Uncertain significance. Last evaluated: 2025-06-19. Review status: criteria provided, single submitter. Criteria: Ambry Variant Classification Scheme 2023. Collection method: clinical testing. Allele origin: germline.

NM_020922.5(WNK3):c.4658C>T (p.Thr1553Ile)

Gene: WNK3 (WNK lysine deficient protein kinase 3; minus strand). Cytogenetic location: Xp11.22.
Variant type: single nucleotide variant.
Coding change: c.4658C>T on transcript NM_020922.5 (MANE Select); coding-DNA position 4658, C replaced by T.
Protein change: p.Thr1553Ile; replaces threonine 1553 with isoleucine.
Molecular consequence: missense variant.
Genome position (GRCh38, 1-based): chrX:54,232,991, G>A on the plus strand (C>T on the coding strand, the complement: WNK3 is on the minus strand). VCF-style: chrX-54232991-G-A. GRCh37 (hg19) VCF-style: chrX-54259424-G-A.
Other names: c.4517C>T, p.Thr1506Ile (NM_001002838.4, NM_001395166.1); short protein forms T1506I, T1553I.
Identifiers: ClinVar variation 4201944 (VCV004201944.4).
Genomic context (GRCh38, chrX:54,232,991, plus strand): 5'-TTGCTATCTTTAATTGACCGAAGGCGTTCATAGAGCTCCTGCAGCTCCTTATTCTGCTGG[G>A]TTTGAAGATTTACCACCTCCTGAATGTGTCTGAATGAAAATCATGCAAAAAGCATTTTAA-3'
Protein context (NP_065973.2, residues 1543-1563): KHIQEVVNLQ[Thr1553Ile]QQNKELQELY